The following is an entry in ClinVar:

ClinVar aggregate classification (germline): Uncertain significance. Review status: criteria provided, multiple submitters, no conflicts (2 of 4 stars). 2 submissions from 2 submitters: Uncertain significance (2). Last evaluated 2025-11-10.

Conditions:
Cardiovascular phenotype. Identifiers: MedGen CN230736.

gnomAD v4.1: 2 of 1,614,098 alleles (0.00012%); highest among the groups gnomAD compares: Non-Finnish European, 0.00017%; no homozygotes.

Submissions (2):

Ambry Genetics
Classification: Uncertain significance for Cardiovascular phenotype. Last evaluated: 2025-11-10. Review status: criteria provided, single submitter. Criteria: Ambry Variant Classification Scheme 2023. Collection method: clinical testing. Allele origin: germline.
Comment: The p.R1171P variant (also known as c.3512G>C), located in coding exon 23 of the TRPM4 gene, results from a G to C substitution at nucleotide position 3512. The arginine at codon 1171 is replaced by proline, an amino acid with dissimilar properties. This amino acid position is conserved. In addition, the in silico prediction for this alteration is inconclusive. Based on the available evidence, the clinical significance of this variant remains unclear.

GeneDx
Classification: Uncertain significance. Last evaluated: 2023-10-24. Review status: criteria provided, single submitter. Criteria: GeneDx Variant Classification Process June 2021. Collection method: clinical testing. Allele origin: germline. Affected: yes.
Comment: Has not been previously published as pathogenic or benign to our knowledge; Not observed at significant frequency in large population cohorts (gnomAD); In silico analysis supports that this missense variant has a deleterious effect on protein structure/function

NM_017636.4(TRPM4):c.3512G>C (p.Arg1171Pro)

Gene: TRPM4 (transient receptor potential cation channel subfamily M member 4; plus strand). Cytogenetic location: 19q13.33.
Variant type: single nucleotide variant.
Coding change: c.3512G>C on transcript NM_017636.4 (MANE Select); coding-DNA position 3512, G replaced by C.
Protein change: p.Arg1171Pro; replaces arginine 1171 with proline.
Molecular consequence: missense variant.
Genome position (GRCh38, 1-based): chr19:49,211,065, G>C. VCF-style: chr19-49211065-G-C. GRCh37 (hg19) VCF-style: chr19-49714322-G-C.
Other names: c.3077G>C, p.Arg1026Pro (NM_001195227.2); c.3167G>C, p.Arg1056Pro (NM_001321281.2); c.1904G>C, p.Arg635Pro (NM_001321282.2); c.2990G>C, p.Arg997Pro (NM_001321283.2); c.2450G>C, p.Arg817Pro (NM_001321285.2); short protein forms R1026P, R1056P, R1171P, R635P, R817P, R997P.
Identifiers: ClinVar variation 3363516 (VCV003363516.2).